The following is an entry in ClinVar:

ClinVar aggregate classification (germline): Uncertain significance (1 of 4 stars; one submission).

Conditions:
PLXNA3-related disorder. Also called: PLXNA3-related condition.

gnomAD v4.1: 8 of 1,209,795 alleles (0.00066%); highest among the groups gnomAD compares: Non-Finnish European, 0.00078%; no homozygotes.

Submission:

PreventionGenetics, part of Exact Sciences
Classification: Uncertain significance for PLXNA3-related condition. Last evaluated: 2025-05-29. Review status: criteria provided, single submitter. Criteria: ACMG Guidelines, 2015. Collection method: clinical testing. Allele origin: germline.
Comment: The PLXNA3 c.2293G>A variant is predicted to result in the amino acid substitution p.Val765Met. To our knowledge, this variant has not been reported in the literature or in a large population database (gnomAD), indicating this variant is rare. At this time, the clinical significance of this variant is uncertain due to the absence of conclusive functional and genetic evidence.

NM_017514.5(PLXNA3):c.2293G>A (p.Val765Met)

Gene: PLXNA3 (plexin A3; plus strand). Cytogenetic location: Xq28.
Variant type: single nucleotide variant.
Coding change: c.2293G>A on transcript NM_017514.5 (MANE Select); coding-DNA position 2293, G replaced by A.
Protein change: p.Val765Met; replaces valine 765 with methionine.
Molecular consequence: missense variant.
Genome position (GRCh38, 1-based): chrX:154,465,472, G>A. VCF-style: chrX-154465472-G-A. GRCh37 (hg19) VCF-style: chrX-153693815-G-A.
Other names: short protein forms V765M.
Identifiers: ClinVar variation 4989832 (VCV004989832.1).